The following is an entry in ClinVar:

NM_003297.4(NR2C1):c.1032G>A (p.Ala344=)

Gene: NR2C1 (nuclear receptor subfamily 2 group C member 1; minus strand). Cytogenetic location: 12q22.
Variant type: single nucleotide variant.
Coding change: c.1032G>A on transcript NM_003297.4 (MANE Select); coding-DNA position 1032, G replaced by A.
Protein change: p.Ala344=; no amino-acid change (alanine 344 retained).
Molecular consequence: synonymous variant.
Genome position (GRCh38, 1-based): chr12:95,049,167, C>T on the plus strand (G>A on the coding strand, the complement: NR2C1 is on the minus strand). VCF-style: chr12-95049167-C-T. GRCh37 (hg19) VCF-style: chr12-95442943-C-T.
Other names: c.1032G>A, p.Ala344= (NM_001032287.3, NM_001127362.2).
Identifiers: ClinVar variation 2643220 (VCV002643220.24), dbSNP rs111814314, ClinGen allele CA6722929.

ClinVar aggregate classification (germline): Likely benign (1 of 4 stars; one submission).

Allele frequency attached by ClinVar (database versions not stated): 1000 Genomes Project 0.00140; 1000 Genomes Project 30x 0.00203; TOPMed 0.00345; gnomAD 0.00348; ExAC 0.00388; ESP Exome Variant Server 0.00438; gnomAD exomes 0.00475.
gnomAD v4.1: 7,428 of 1,614,050 alleles (0.46%); highest among the groups gnomAD compares: Non-Finnish European, 0.56%; 36 homozygotes.

Submission:

CeGaT Center for Human Genetics Tuebingen
Classification: Likely benign. Last evaluated: 2022-04-01. Review status: criteria provided, single submitter. Criteria: CeGaT Center For Human Genetics Tuebingen Variant Classification Criteria Version 2. Collection method: clinical testing. Allele origin: germline. Affected: yes. Observed: 2 variant alleles.
Comment: NR2C1: BP4, BP7